The following is an entry in ClinVar:

ClinVar aggregate classification (germline): Uncertain significance (1 of 4 stars; one submission).

Allele frequency attached by ClinVar (database versions not stated): ExAC 0.00004; ESP Exome Variant Server 0.00008; gnomAD 0.00014; TOPMed 0.00014; 1000 Genomes Project 30x 0.00031.
gnomAD v4.1: 37 of 1,608,796 alleles (0.0023%); highest among the groups gnomAD compares: African/African-American, 0.047%; no homozygotes.

Submission:

Labcorp Genetics (formerly Invitae), Labcorp
Classification: Uncertain significance. Last evaluated: 2026-01-18. Review status: criteria provided, single submitter. Criteria: Invitae Variant Classification Sherloc (09022015). Collection method: clinical testing. Allele origin: germline.
Comment: This sequence change replaces valine, which is neutral and non-polar, with methionine, which is neutral and non-polar, at codon 516 of the RELB protein (p.Val516Met). This variant is present in population databases (rs368629270, gnomAD 0.05%). This variant has not been reported in the literature in individuals affected with RELB-related conditions. ClinVar contains an entry for this variant (Variation ID: 1448691). An algorithm developed to predict the effect of missense changes on protein structure and function (PolyPhen-2) suggests that this variant is likely to be tolerated. In summary, the available evidence is currently insufficient to determine the role of this variant in disease. Therefore, it has been classified as a Variant of Uncertain Significance.

NM_006509.4(RELB):c.1546G>A (p.Val516Met)

Gene: RELB (RELB proto-oncogene, NF-kB subunit; plus strand). Cytogenetic location: 19q13.32.
Variant type: single nucleotide variant.
Coding change: c.1546G>A on transcript NM_006509.4 (MANE Select); coding-DNA position 1546, G replaced by A.
Protein change: p.Val516Met; replaces valine 516 with methionine.
Molecular consequence: missense variant.
Genome position (GRCh38, 1-based): chr19:45,037,596, G>A. VCF-style: chr19-45037596-G-A. GRCh37 (hg19) VCF-style: chr19-45540854-G-A.
Other names: short protein forms V516M.
Identifiers: ClinVar variation 1448691 (VCV001448691.7), dbSNP rs368629270, ClinGen allele CA9507899.